The following is an entry in ClinVar:

NM_000814.6(GABRB3):c.467C>A (p.Thr156Asn)

Gene: GABRB3 (gamma-aminobutyric acid type A receptor subunit beta3; minus strand). Cytogenetic location: 15q12.
Variant type: single nucleotide variant.
Coding change: c.467C>A on transcript NM_000814.6 (MANE Select); coding-DNA position 467, C replaced by A.
Protein change: p.Thr156Asn; replaces threonine 156 with asparagine.
Molecular consequence: missense variant.
Genome position (GRCh38, 1-based): chr15:26,583,409, G>T on the plus strand (C>A on the coding strand, the complement: GABRB3 is on the minus strand). VCF-style: chr15-26583409-G-T. GRCh37 (hg19) VCF-style: chr15-26828556-G-T.
Other names: c.212C>A, p.Thr71Asn (NM_001191320.2, NM_001278631.2); c.254C>A, p.Thr85Asn (NM_001191321.3); c.467C>A, p.Thr156Asn (NM_021912.5); short protein forms T156N, T71N, T85N.
Identifiers: ClinVar variation 856080 (VCV000856080.9), dbSNP rs78196007, ClinGen allele CA391458139.

ClinVar aggregate classification (germline): Likely pathogenic (1 of 4 stars; one submission).

Conditions:
Epilepsy, childhood absence, susceptibility to, 5. Identifiers: Orphanet 64280, MedGen C2677087, MONDO:0012843, OMIM 612269.
Epilepsy, childhood absence, susceptibility to, 1. Also called: Epilepsy, childhood absence 1. Identifiers: Orphanet 64280, MedGen C1838604, MONDO:0020759, OMIM 600131.

Submission:

Labcorp Genetics (formerly Invitae), Labcorp
Classification: Likely pathogenic for Epilepsy, childhood absence, susceptibility to, 5; Epilepsy, childhood absence, susceptibility to, 1. Last evaluated: 2019-03-30. Review status: criteria provided, single submitter. Criteria: Invitae Variant Classification Sherloc (09022015). Collection method: clinical testing. Allele origin: germline.
Comment: In summary, the currently available evidence indicates that the variant is pathogenic, but additional data are needed to prove that conclusively. Therefore, this variant has been classified as Likely Pathogenic. Algorithms developed to predict the effect of missense changes on protein structure and function (SIFT, PolyPhen-2, Align-GVGD) all suggest that this variant is likely to be disruptive, but these predictions have not been confirmed by published functional studies and their clinical significance is uncertain. This variant is not present in population databases (ExAC no frequency). This sequence change replaces threonine with asparagine at codon 156 of the GABRB3 protein (p.Thr156Asn). The threonine residue is highly conserved and there is a small physicochemical difference between threonine and asparagine.